The following is an entry in ClinVar:

NM_018255.4(ELP2):c.418C>T (p.Arg140Ter)

Gene: ELP2 (elongator acetyltransferase complex subunit 2; plus strand). Cytogenetic location: 18q12.2.
Variant type: single nucleotide variant.
Coding change: c.418C>T on transcript NM_018255.4 (MANE Select); coding-DNA position 418, C replaced by T.
Protein change: p.Arg140Ter; replaces arginine 140 with a stop codon.
Molecular consequence: nonsense. On other transcripts: 5 prime UTR variant (1), non-coding transcript variant (4).
Genome position (GRCh38, 1-based): chr18:36,138,399, C>T. VCF-style: chr18-36138399-C-T. GRCh37 (hg19) VCF-style: chr18-33718362-C-T.
Other names: c.418C>T, p.Arg140Ter (NM_001242875.3, NM_001242876.3, NM_001242877.3 and 5 more transcripts); c.-30C>T (NM_001324468.2); short protein forms R140*.
Identifiers: ClinVar variation 3336513 (VCV003336513.2).

ClinVar aggregate classification (germline): Pathogenic/Likely pathogenic. Review status: criteria provided, multiple submitters, no conflicts (2 of 4 stars). 2 submissions from 2 submitters: Pathogenic (1); Likely pathogenic (1). Last evaluated 2025-07-01.

Conditions:
Intellectual developmental disorder, autosomal recessive 58. Also called: Intellectual disability, autosomal recessive 58. Identifiers: MedGen C4310641, MONDO:0014996, OMIM 617270.

gnomAD v4.1: 50 of 1,613,980 alleles (0.0031%); highest among the groups gnomAD compares: Admixed American, 0.023%; no homozygotes.

Submissions (2):

Variantyx, Inc.
Classification: Likely pathogenic for Intellectual developmental disorder, autosomal recessive 58. Last evaluated: 2025-07-01. Review status: criteria provided, single submitter. Criteria: Variantyx Assertion Criteria 2022. Collection method: clinical testing. Allele origin: germline. Inheritance: Autosomal recessive inheritance. Affected: no.
Comment: This is a nonsense variant in the ELP2 gene (OMIM: 616054). Pathogenic variants in this gene have been associated with autosomal recessive intellectual developmental disorder 58. This variant introduces a premature termination codon in exon 4 out of 22 and is expected to result in loss of function, which is a known disease mechanism for ELP2 in this disorder (PMID: 33976153) (PVS1). This variant has a 0.0233% maximum allele frequency in non-founder control populations (PM2). Based on the current evidence, this variant is classified as likely pathogenic for autosomal recessive intellectual developmental disorder 58.No other variant of clinical significance was identified in the ELP2 gene.

Women's Health and Genetics/Laboratory Corporation of America, LabCorp
Classification: Pathogenic for Intellectual developmental disorder, autosomal recessive 58. Last evaluated: 2024-05-17. Review status: criteria provided, single submitter. Criteria: LabCorp Variant Classification Summary - May 2015. Collection method: clinical testing. Allele origin: germline.
Comment: Variant summary: ELP2 c.418C>T (p.Arg140X) results in a premature termination codon, predicted to cause a truncation of the encoded protein or absence of the protein due to nonsense mediated decay, which are commonly known mechanisms for disease. The variant allele was found at a frequency of 2.4e-05 in 251406 control chromosomes. To our knowledge, no occurrence of c.418C>T in individuals affected with Mental Retardation, Autosomal Recessive 58 and no experimental evidence demonstrating its impact on protein function have been reported. No submitters have cited clinical-significance assessments for this variant to ClinVar. Based on the evidence outlined above, the variant was classified as pathogenic.

Literature cited by the submitters: PubMed 33976153 (cited by Variantyx, Inc.).